The following is an entry in ClinVar:

ClinVar aggregate classification (germline): Uncertain significance. Review status: criteria provided, multiple submitters, no conflicts (2 of 4 stars). 2 submissions from 2 submitters: Uncertain significance (2). Last evaluated 2021-12-17.

Conditions:
Hereditary cancer-predisposing syndrome. Also called: Tumor predisposition; Hereditary Cancer Syndrome; Neoplastic Syndromes, Hereditary; Hereditary neoplastic syndrome. Identifiers: Orphanet 140162, MedGen C0027672, MeSH D009386, MONDO:0015356.
Cardiovascular phenotype. Identifiers: MedGen CN230736.
Neurofibromatosis, type 1 (NF1). Also called: VON RECKLINGHAUSEN DISEASE; Neurofibromatosis, type I; NEUROFIBROMATOSIS, TYPE I, SOMATIC; Peripheral type neurofibromatosis. Identifiers: Orphanet 636, MedGen C0027831, MONDO:0018975, OMIM 162200. Disease mechanism: loss of function.

Allele frequency attached by ClinVar (database versions not stated): gnomAD exomes below 0.00001.
gnomAD v4.1: 1 of 1,612,822 alleles (0.000062%); highest among the groups gnomAD compares: South Asian, 0.0011%; no homozygotes.

Submissions (2):

Ambry Genetics
Classification: Uncertain significance for Cardiovascular phenotype; Hereditary cancer-predisposing syndrome. Last evaluated: 2021-12-17. Review status: criteria provided, single submitter. Criteria: Ambry Variant Classification Scheme 2023. Collection method: clinical testing. Allele origin: germline.
Comment: The p.D668N variant (also known as c.2002G>A) is located in coding exon 18 of the NF1 gene. The aspartic acid at codon 668 is replaced by asparagine, an amino acid with highly similar properties. This change occurs in the first base pair of coding exon 18. This amino acid position is not well conserved in available vertebrate species. In addition, this alteration is predicted to be tolerated by in silico analysis. Since supporting evidence is limited at this time, the clinical significance of this alteration remains unclear.

Labcorp Genetics (formerly Invitae), Labcorp
Classification: Uncertain significance for Neurofibromatosis, type 1. Last evaluated: 2020-03-25. Review status: criteria provided, single submitter. Criteria: Invitae Variant Classification Sherloc (09022015). Collection method: clinical testing. Allele origin: germline.
Comment: Algorithms developed to predict the effect of missense changes on protein structure and function (SIFT, PolyPhen-2, Align-GVGD) all suggest that this variant is likely to be tolerated, but these predictions have not been confirmed by published functional studies and their clinical significance is uncertain. This variant has not been reported in the literature in individuals with NF1-related conditions. This variant is not present in population databases (ExAC no frequency). This sequence change replaces aspartic acid with asparagine at codon 668 of the NF1 protein (p.Asp668Asn). The aspartic acid residue is moderately conserved and there is a small physicochemical difference between aspartic acid and asparagine. In summary, the available evidence is currently insufficient to determine the role of this variant in disease. Therefore, it has been classified as a Variant of Uncertain Significance.

NM_001042492.3(NF1):c.2002G>A (p.Asp668Asn)

Gene: NF1 (neurofibromin 1; plus strand). Cytogenetic location: 17q11.2.
Variant type: single nucleotide variant.
Coding change: c.2002G>A on transcript NM_001042492.3 (MANE Select); coding-DNA position 2002, G replaced by A.
Protein change: p.Asp668Asn; replaces aspartic acid 668 with asparagine.
Molecular consequence: missense variant.
Genome position (GRCh38, 1-based): chr17:31,226,435, G>A. VCF-style: chr17-31226435-G-A. GRCh37 (hg19) VCF-style: chr17-29553453-G-A.
Other names: c.2002G>A, p.Asp668Asn (NM_000267.4); short protein forms D668N.
Identifiers: ClinVar variation 1014107 (VCV001014107.7), dbSNP rs1445299269, ClinGen allele CA398981987.